The following is an entry in ClinVar:

ClinVar aggregate classification (germline): Pathogenic. Review status: criteria provided, multiple submitters, no conflicts (2 of 4 stars). 9 submissions from 9 submitters: Pathogenic (8). 1 of the submissions does not count toward it. Last evaluated 2025-09-15.

Conditions:
Retinitis pigmentosa (RP). Identifiers: Orphanet 791, MedGen C0035334, MeSH D012174, MONDO:0019200, OMIM 268000. Inheritance: Autosomal dominant, autosomal recessive and X linked inheritance.
Retinal disorder. Also called: Retinal disorders; Retinopathies; Retinal Diseases; Retinopathy. Identifiers: MedGen C0035309, MONDO:0005283, HP:0000488.
PDE6A-related disorder. Also called: PDE6A-related condition.
Retinitis pigmentosa 43 (RP43). Identifiers: Orphanet 791, MedGen C3151139, MONDO:0013437, OMIM 613810.
Retinal dystrophy. Also called: Inherited retinal dystrophy. Identifiers: Orphanet 71862, MedGen C0854723, MeSH D058499, MONDO:0019118, HP:0000556.

Allele frequency attached by ClinVar (database versions not stated): gnomAD exomes 0.00002 and 0.00003; TOPMed 0.00005; ExAC 0.00002.
gnomAD v4.1: 35 of 1,600,656 alleles (0.0022%); highest among the groups gnomAD compares: Non-Finnish European, 0.0026%; no homozygotes.

Submissions (9):

Labcorp Genetics (formerly Invitae), Labcorp
Classification: Pathogenic. Last evaluated: 2025-09-15. Review status: criteria provided, single submitter. Criteria: Invitae Variant Classification Sherloc (09022015). Collection method: clinical testing. Allele origin: germline.
Comment: This sequence change affects a donor splice site in intron 6 of the PDE6A gene. It is expected to disrupt RNA splicing. Variants that disrupt the donor or acceptor splice site typically lead to a loss of protein function (PMID: 16199547), and loss-of-function variants in PDE6A are known to be pathogenic (PMID: 7493036, 22128245, 23847139). This variant is present in population databases (rs748946491, gnomAD 0.008%). Disruption of this splice site has been observed in individuals with autosomal recessive retinal disease (PMID: 10393062, 27820873). It has also been observed to segregate with disease in related individuals. This variant is also known as IVS6+1G>A. ClinVar contains an entry for this variant (Variation ID: 855351). Algorithms developed to predict the effect of sequence changes on RNA splicing suggest that this variant may disrupt the consensus splice site. For these reasons, this variant has been classified as Pathogenic.

Blueprint Genetics
Classification: Pathogenic for PDE6A-related disorders. Last evaluated: 2024-11-01. Review status: criteria provided, single submitter. Criteria: ACMG Guidelines, 2015. Collection method: clinical testing. Allele origin: germline. Affected: yes. Observed: 5 variant alleles.

Fulgent Genetics
Classification: Pathogenic for Retinitis pigmentosa 43. Last evaluated: 2024-06-17. Review status: criteria provided, single submitter. Criteria: ACMG Guidelines, 2015. Collection method: clinical testing. Allele origin: germline.

AURAGEN, Plan France Médecine Génomique
Classification: Pathogenic for Retinal disorder. Last evaluated: 2022-06-13. Review status: criteria provided, single submitter. Criteria: PFMG2025 (Lancet Reg Health Eur. 2025). Collection method: clinical testing. Allele origin: germline. Affected: yes.

Institute of Human Genetics, Univ. Regensburg, Univ. Regensburg
Classification: Pathogenic for Retinal dystrophy. Last evaluated: 2022-01-01. Review status: criteria provided, single submitter. Criteria: ACMG Guidelines, 2015. Collection method: clinical testing. Allele origin: germline. Affected: yes.

Broad Center for Mendelian Genomics, Broad Institute of MIT and Harvard
Classification: Pathogenic for Retinitis pigmentosa. Last evaluated: 2021-04-01. Review status: criteria provided, single submitter. Criteria: ACMG Guidelines, 2015. Collection method: curation. Allele origin: germline. Inheritance: Autosomal recessive inheritance. Affected: yes.
Comment: Through a review of available evidence we were able to apply the following criteria: PVS1, PM2, PP1. Based on this evidence we have classified this variant as Pathogenic. If you have any questions about the classification please reach out to the Pierce Lab.

GeneDx
Classification: Pathogenic. Last evaluated: 2019-11-20. Review status: criteria provided, single submitter. Criteria: GeneDx Variant Classification Process June 2021. Collection method: clinical testing. Allele origin: germline. Affected: yes.
Comment: Canonical splice site variant in a gene for which loss-of-function is a known mechanism of disease; Observed in a patient in published literature (Avila-Fernandez et al., 2010) with retinitis pigmentosa who also harbored a second PDE6A variant on the opposite allele; This variant is associated with the following publications: (PMID: 30998820, 21151602, 25525159, 27820873, 10393062)

Juno Genomics, Hangzhou Juno Genomics, Inc
Classification: Pathogenic for Retinitis pigmentosa 43. Review status: criteria provided, single submitter. Criteria: ACMG Guidelines, 2015. Collection method: clinical testing. Allele origin: germline.
Comment: Absent from controls (or at extremely low frequency if recessive) in Genome Aggregation Database.;Null variant in a gene where loss of function (LOF) is a known mechanism of disease.;For recessive disorders, detected in trans with a pathogenic variant.;Co-segregation with disease in multiple affected family members.

OMIM
Classification: Pathogenic for RETINITIS PIGMENTOSA 43. Last evaluated: 2023-03-23. Review status: no assertion criteria provided. Collection method: literature only. Allele origin: germline. Not counted in ClinVar's aggregate classification.

Literature cited by the submitters: PubMed 16199547 (cited by Labcorp Genetics (formerly Invitae), Labcorp); PubMed 7493036 (cited by Labcorp Genetics (formerly Invitae), Labcorp); PubMed 22128245 (cited by Labcorp Genetics (formerly Invitae), Labcorp); PubMed 23847139 (cited by Labcorp Genetics (formerly Invitae), Labcorp); PubMed 10393062 (cited by Labcorp Genetics (formerly Invitae), Labcorp and Institute of Human Genetics, Univ. Regensburg, Univ. Regensburg); PubMed 27820873 (cited by 3 submitters); PubMed 25525159 (cited by Institute of Human Genetics, Univ. Regensburg, Univ. Regensburg); PubMed 30998820 (cited by Institute of Human Genetics, Univ. Regensburg, Univ. Regensburg); PubMed 31964843 (cited by Institute of Human Genetics, Univ. Regensburg, Univ. Regensburg); PubMed 32037395 (cited by Institute of Human Genetics, Univ. Regensburg, Univ. Regensburg); PubMed 36460718 (cited by Institute of Human Genetics, Univ. Regensburg, Univ. Regensburg); PubMed 36819107 (cited by Institute of Human Genetics, Univ. Regensburg, Univ. Regensburg); PubMed 34906470 (cited by Broad Center for Mendelian Genomics, Broad Institute of MIT and Harvard); PubMed 35533076 (cited by OMIM).

NM_000440.3(PDE6A):c.998+1G>A

Gene: PDE6A (phosphodiesterase 6A; minus strand). Cytogenetic location: 5q32.
Variant type: single nucleotide variant.
Coding change: c.998+1G>A on transcript NM_000440.3 (MANE Select); the canonical splice donor site of the intron after coding-DNA position 998, G replaced by A.
Molecular consequence: splice donor variant.
Genome position (GRCh38, 1-based): chr5:149,914,942, C>T on the plus strand (G>A on the coding strand, the complement: PDE6A is on the minus strand). VCF-style: chr5-149914942-C-T. GRCh37 (hg19) VCF-style: chr5-149294505-C-T.
Other names: IVS6, G-A, +1; c.755+1G>A (NM_001410788.1).
Identifiers: ClinVar variation 855351 (VCV000855351.20), dbSNP rs748946491, ClinGen allele CA3504845.